The following is an entry in ClinVar:

ClinVar aggregate classification (germline): Conflicting classifications of pathogenicity. Review status: criteria provided, conflicting classifications (1 of 4 stars). 7 submissions from 7 submitters: Likely pathogenic (1); Uncertain significance (6). Last evaluated 2026-09-18.

Conditions:
Familial cancer of breast. Also called: BREAST CANCER, FAMILIAL; Hereditary breast cancer; hereditary breast carcinoma. Identifiers: Orphanet 227535, MedGen C0346153, MONDO:0016419, OMIM 114480. Disease mechanism: loss of function.
Hereditary cancer-predisposing syndrome. Also called: Hereditary Cancer Syndrome; Hereditary neoplastic syndrome; Neoplastic Syndromes, Hereditary; Tumor predisposition. Identifiers: Orphanet 140162, MedGen C0027672, MeSH D009386, MONDO:0015356.
BARD1-related cancer predisposition. Identifiers: MedGen CN377756, MONDO:0700267.

Submissions (7):

Myriad Genetics, Inc.
Classification: Likely pathogenic for Familial cancer of breast. Last evaluated: 2026-09-18. Review status: criteria provided, single submitter. Criteria: Myriad Autosomal Dominant, Autosomal Recessive and X-Linked Classification Criteria (2023). Collection method: clinical testing. Allele origin: unknown.
Comment: This variant is considered likely pathogenic. mRNA analysis has demonstrated abnormal mRNA splicing occurs [Myriad internal data].

Ambry Genetics
Classification: Uncertain significance for Hereditary cancer-predisposing syndrome. Last evaluated: 2025-07-24. Review status: criteria provided, single submitter. Criteria: Ambry Variant Classification Scheme 2023. Collection method: clinical testing. Allele origin: germline.
Comment: The c.1677+4_1677+7delAGTA intronic variant, located in intron 7 of the BARD1 gene, results from a deletion of 4 nucleotides within intron 7 of the BARD1 gene. This nucleotide region is well conserved in available vertebrate species. In silico splice site analysis predicts that this alteration will weaken the native splice donor site; however, direct evidence is insufficient at this time (Ambry internal data). Since supporting evidence is limited at this time, the clinical significance of this alteration remains unclear.

Labcorp Genetics (formerly Invitae), Labcorp
Classification: Uncertain significance for Familial cancer of breast. Last evaluated: 2025-01-30. Review status: criteria provided, single submitter. Criteria: Invitae Variant Classification Sherloc (09022015). Collection method: clinical testing. Allele origin: germline.
Comment: This sequence change falls in intron 7 of the BARD1 gene. It does not directly change the encoded amino acid sequence of the BARD1 protein. RNA analysis indicates that this variant induces altered splicing and may result in an absent or altered protein product. This variant is not present in population databases (gnomAD no frequency). This variant has not been reported in the literature in individuals affected with BARD1-related conditions. ClinVar contains an entry for this variant (Variation ID: 422432). Variants that disrupt the consensus splice site are a relatively common cause of aberrant splicing (PMID: 17576681, 9536098). Studies have shown that this variant results in skipping of exon 7, and produces a non-functional protein and/or introduces a premature termination codon (internal data). In summary, the available evidence is currently insufficient to determine the role of this variant in disease. Therefore, it has been classified as a Variant of Uncertain Significance.

Quest Diagnostics Nichols Institute San Juan Capistrano
Classification: Uncertain significance. Last evaluated: 2023-08-09. Review status: criteria provided, single submitter. Criteria: Quest Diagnostics criteria. Collection method: clinical testing. Allele origin: unknown.
Comment: This variant has not been reported in the published literature. It also has not been reported in large, multi-ethnic general populations (Genome Aggregation Database). Analysis of this variant using software algorithms for the prediction of the effect of nucleotide changes on splicing yielded predictions that this variant may affect proper BARD1 mRNA splicing . Based on the available information, we are unable to determine the clinical significance of this variant.

Baylor Genetics
Classification: Uncertain significance for Familial cancer of breast. Last evaluated: 2023-06-21. Review status: criteria provided, single submitter. Criteria: ACMG Guidelines, 2015. Collection method: clinical testing. Allele origin: unknown.

Department of Pathology and Laboratory Medicine, Sinai Health System
Classification: Uncertain significance for BARD1-related cancer predisposition. Last evaluated: 2021-11-24. Review status: criteria provided, single submitter. Criteria: ACMG Guidelines, 2015. Collection method: clinical testing. Allele origin: germline. Affected: no.

GeneDx
Classification: Uncertain significance. Last evaluated: 2017-06-19. Review status: criteria provided, single submitter. Criteria: GeneDx Variant Classification (06012015). Collection method: clinical testing. Allele origin: germline. Affected: yes.
Comment: This variant is denoted BARD1 c.1677+4_1677+7delAGTA or IVS7+4_IVS7+7delAGTA and consists of a deletion of four nucleotides from the +4 to +7 position in intron 7 of the BARD1 gene. The surrounding sequence, with the bases that are deleted in brackets, is Agta[delagta]tgga, where the capital letter is exonic and lowercase letters are intronic. Multiple in silico models predict this variant to destroy the nearby natural splice donor site and to possibly cause abnormal gene splicing; however, in the absence of RNA or functional studies, the actual effect of this variant is unknown. This variant has not, to our knowledge, been published in the literature as pathogenic or benign. BARD1 c.1677+4_1677+7delAGTA was not observed in large population cohorts (NHLBI Exome Sequencing Project, The 1000 Genomes Consortium 2015, Lek 2016). Three of the four nucleotides that are deleted are conserved across species. Based on currently available information, it is unclear whether BARD1 c.1677+4_1677+7delAGTA is pathogenic or benign. We consider it to be a variant of uncertain significance.

Literature cited by the submitters: PubMed 17576681 (cited by Labcorp Genetics (formerly Invitae), Labcorp); PubMed 9536098 (cited by Labcorp Genetics (formerly Invitae), Labcorp).

NM_000465.4(BARD1):c.1677+4_1677+7del

Gene: BARD1 (BRCA1 associated RING domain 1; minus strand). Cytogenetic location: 2q35.
Variant type: Microsatellite.
Coding change: c.1677+4_1677+7del on transcript NM_000465.4 (MANE Select); bases 4 to 7 of the intron after coding-DNA position 1677, 4 bases deleted (AGTA; older notation c.1677+4_1677+7delAGTA).
Molecular consequence: splice donor variant. On other transcripts: intron variant (1).
Genome position (GRCh38, 1-based): chr2:214,752,440-214,752,443, TACT deleted on the plus strand (AGTA on the coding strand, the reverse complement: BARD1 is on the minus strand); deleting any 4 consecutive bases within chr2:214,752,440-214,752,447 gives the same sequence; the c. name uses the placement nearest the transcript's 3' end. VCF-style (leftmost placement, unchanged base first): chr2-214752439-ATACT-A. GRCh37 (hg19) VCF-style: chr2-215617163-ATACT-A.
Other names: c.1677+4_1677+7delAGTA (NM_000465.3, NM_000465.2); c.1620+4_1620+7del (NM_001282543.2); c.324+4_324+7del (NM_001282545.2); c.365-21935_365-21932del (NM_001282549.2); c.267+4_267+7del (NM_001282548.2).
Identifiers: ClinVar variation 422432 (VCV000422432.19), dbSNP rs1064795776, ClinGen allele CA16617433.